The following is an entry in ClinVar:

ClinVar aggregate classification (germline): Uncertain significance. Review status: criteria provided, multiple submitters, no conflicts (2 of 4 stars). 4 submissions from 4 submitters: Uncertain significance (3). 1 of the submissions does not count toward it. Last evaluated 2024-06-12.

Conditions:
Walker-Warburg congenital muscular dystrophy. Also called: Muscular dystrophy-dystroglycanopathy, type A; Walker-Warburg syndrome. Identifiers: Orphanet 899, MedGen C0265221, MONDO:0000171.
Cardiovascular phenotype. Identifiers: MedGen CN230736.
Autosomal recessive limb-girdle muscular dystrophy type 2I. Also called: MUSCULAR DYSTROPHY-DYSTROGLYCANOPATHY (LIMB-GIRDLE), TYPE C, 5; MUSCULAR DYSTROPHY, LIMB-GIRDLE, TYPE 2I; MUSCULAR DYSTROPHY-DYSTROGLYCANOPATHY, LIMB-GIRDLE, FRKP-RELATED. Identifiers: Orphanet 34515, MedGen C1846672, MONDO:0011787, OMIM 607155.

Allele frequency attached by ClinVar (database versions not stated): gnomAD 0.00001; TOPMed 0.00001; gnomAD exomes 0.00003.

Submissions (4):

Ambry Genetics
Classification: Uncertain significance for Cardiovascular phenotype. Last evaluated: 2024-06-12. Review status: criteria provided, single submitter. Criteria: Ambry Variant Classification Scheme 2023. Collection method: clinical testing. Allele origin: germline.
Comment: The p.R265L variant (also known as c.794G>T), located in coding exon 1 of the FKRP gene, results from a G to T substitution at nucleotide position 794. The arginine at codon 265 is replaced by leucine, an amino acid with dissimilar properties. This amino acid position is conserved. In addition, the in silico prediction for this alteration is inconclusive. Since supporting evidence is limited at this time, the clinical significance of this alteration remains unclear.

Mayo Clinic Laboratories, Mayo Clinic
Classification: Uncertain significance. Last evaluated: 2022-10-20. Review status: criteria provided, single submitter. Criteria: ACMG Guidelines, 2015. Collection method: clinical testing. Allele origin: germline. Observed: 1 variant allele.
Comment: PM2

Labcorp Genetics (formerly Invitae), Labcorp
Classification: Uncertain significance for Walker-Warburg congenital muscular dystrophy. Last evaluated: 2021-08-30. Review status: criteria provided, single submitter. Criteria: Invitae Variant Classification Sherloc (09022015). Collection method: clinical testing. Allele origin: germline.
Comment: This sequence change replaces arginine with leucine at codon 265 of the FKRP protein (p.Arg265Leu). The arginine residue is moderately conserved and there is a moderate physicochemical difference between arginine and leucine. The frequency data for this variant in the population databases is considered unreliable, as metrics indicate insufficient coverage at this position in the ExAC database. This variant has not been reported in the literature in individuals affected with FKRP-related conditions. Algorithms developed to predict the effect of missense changes on protein structure and function (SIFT, PolyPhen-2, Align-GVGD) all suggest that this variant is likely to be tolerated. In summary, the available evidence is currently insufficient to determine the role of this variant in disease. Therefore, it has been classified as a Variant of Uncertain Significance.

Natera, Inc.
Classification: Uncertain significance for Limb-girdle muscular dystrophy type 2I. Last evaluated: 2020-09-17. Review status: no assertion criteria provided. Collection method: clinical testing. Allele origin: germline. Not counted in ClinVar's aggregate classification.

NM_024301.5(FKRP):c.794G>T (p.Arg265Leu)

Gene: FKRP (fukutin related protein; plus strand). Cytogenetic location: 19q13.32.
Variant type: single nucleotide variant.
Coding change: c.794G>T on transcript NM_024301.5 (MANE Select); coding-DNA position 794, G replaced by T.
Protein change: p.Arg265Leu; replaces arginine 265 with leucine.
Molecular consequence: missense variant.
Genome position (GRCh38, 1-based): chr19:46,756,244, G>T. VCF-style: chr19-46756244-G-T. GRCh37 (hg19) VCF-style: chr19-47259501-G-T.
Other names: p.Arg265Leu; c.794G>T, p.Arg265Leu (NM_001039885.3); short protein forms R265L.
Identifiers: ClinVar variation 849883 (VCV000849883.11), dbSNP rs1320991574, ClinGen allele CA406496030.